The following is an entry in ClinVar:

NM_001374736.1(DST):c.12104A>T (p.Asp4035Val)

Gene: DST (dystonin; minus strand). Cytogenetic location: 6p12.1.
Variant type: single nucleotide variant.
Coding change: c.12104A>T on transcript NM_001374736.1 (MANE Select); coding-DNA position 12104, A replaced by T.
Protein change: p.Asp4035Val; replaces aspartic acid 4035 with valine.
Molecular consequence: missense variant.
Genome position (GRCh38, 1-based): chr6:56,597,831, T>A on the plus strand (A>T on the coding strand, the complement: DST is on the minus strand). VCF-style: chr6-56597831-T-A. GRCh37 (hg19) VCF-style: chr6-56462629-T-A.
Other names: c.5747A>T, p.Asp1916Val (NM_001144769.5); c.5333A>T, p.Asp1778Val (NM_001144770.2); c.12104A>T, p.Asp4035Val (NM_001374722.1); c.11471A>T, p.Asp3824Val (NM_001374729.1); c.5213A>T, p.Asp1738Val (NM_001374730.1, NM_183380.4); c.12131A>T, p.Asp4044Val (NM_001374734.1); c.4235A>T, p.Asp1412Val (NM_015548.5); short protein forms D1916V, D4035V, D1412V, D3824V, D1738V, D1778V, D4044V.
Identifiers: ClinVar variation 972595 (VCV000972595.9), dbSNP rs2098406131, ClinGen allele CA364528470.

ClinVar aggregate classification (germline): Uncertain significance (1 of 4 stars; one submission).

Conditions:
Epidermolysis bullosa simplex 3, localized or generalized intermediate, with BP230 deficiency (EBS3). Also called: Epidermolysis bullosa simplex due to BP230 deficiency; Epidermolysis bullosa simplex, autosomal recessive 2. Identifiers: Orphanet 412181, MedGen C3809470, MONDO:0014180, OMIM 615425.
Hereditary sensory and autonomic neuropathy type 6. Also called: Neuropathy, hereditary sensory and autonomic, type VI; HSAN VI. Identifiers: Orphanet 314381, MedGen C3539003, MONDO:0013839, OMIM 614653.

Allele frequency attached by ClinVar (database versions not stated): TOPMed below 0.00001.
gnomAD v4.1: 7 of 1,613,980 alleles (0.00043%); highest among the groups gnomAD compares: Admixed American, 0.01%; no homozygotes.

Submission:

Labcorp Genetics (formerly Invitae), Labcorp
Classification: Uncertain significance for Epidermolysis bullosa simplex 3, localized or generalized intermediate, with BP230 deficiency; Hereditary sensory and autonomic neuropathy type 6. Last evaluated: 2024-11-16. Review status: criteria provided, single submitter. Criteria: Invitae Variant Classification Sherloc (09022015). Collection method: clinical testing. Allele origin: germline.
Comment: The DST gene has multiple clinically relevant transcripts. This variant occurs in alternate transcript NM_015548.4, and corresponds to NM_001723.5:c.*17686A>T in the primary transcript. This sequence change replaces aspartic acid, which is acidic and polar, with valine, which is neutral and non-polar, at codon 1412 of the DST protein (p.Asp1412Val). This variant is not present in population databases (gnomAD no frequency). This variant has not been reported in the literature in individuals affected with DST-related conditions. ClinVar contains an entry for this variant (Variation ID: 972595). Experimental studies and prediction algorithms are not available or were not evaluated, and the functional significance of this variant is currently unknown. In summary, the available evidence is currently insufficient to determine the role of this variant in disease. Therefore, it has been classified as a Variant of Uncertain Significance.